The following is an entry in ClinVar:

ClinVar aggregate classification (germline): Uncertain significance (1 of 4 stars; one submission).

Conditions:
Hereditary cancer-predisposing syndrome. Also called: Neoplastic Syndromes, Hereditary; Tumor predisposition; Hereditary Cancer Syndrome; Hereditary neoplastic syndrome. Identifiers: Orphanet 140162, MedGen C0027672, MeSH D009386, MONDO:0015356.

Submission:

Ambry Genetics
Classification: Uncertain significance for Hereditary cancer-predisposing syndrome. Last evaluated: 2021-05-03. Review status: criteria provided, single submitter. Criteria: Ambry Variant Classification Scheme 2023. Collection method: clinical testing. Allele origin: germline.
Comment: The p.E533D variant (also known as c.1599G>T), located in coding exon 4 of the MSH6 gene, results from a G to T substitution at nucleotide position 1599. The glutamic acid at codon 533 is replaced by aspartic acid, an amino acid with highly similar properties. This amino acid position is well conserved in available vertebrate species. In addition, this alteration is predicted to be tolerated by in silico analysis. Since supporting evidence is limited at this time, the clinical significance of this alteration remains unclear.

NM_000179.3(MSH6):c.1599G>T (p.Glu533Asp)

Gene: MSH6 (mutS homolog 6; plus strand). Cytogenetic location: 2p16.3.
Variant type: single nucleotide variant.
Coding change: c.1599G>T on transcript NM_000179.3 (MANE Select); coding-DNA position 1599, G replaced by T.
Protein change: p.Glu533Asp; replaces glutamic acid 533 with aspartic acid.
Molecular consequence: missense variant.
Genome position (GRCh38, 1-based): chr2:47,799,582, G>T. VCF-style: chr2-47799582-G-T. GRCh37 (hg19) VCF-style: chr2-48026721-G-T.
Other names: c.693G>T, p.Glu231Asp (NM_001281493.2, NM_001281494.2, NM_001406811.1 and 6 more transcripts); c.1695G>T, p.Glu565Asp (NM_001406795.1, NM_001406802.1); c.1599G>T, p.Glu533Asp (NM_001406796.1, NM_001406798.1, NM_001406800.1 and 4 more transcripts); c.1302G>T, p.Glu434Asp (NM_001406797.1, NM_001406801.1, NM_001406805.1 and 10 more transcripts); c.1074G>T, p.Glu358Asp (NM_001406799.1, NM_001406806.1, NM_001406807.1); c.1209G>T, p.Glu403Asp (NM_001281492.2); c.1521G>T, p.Glu507Asp (NM_001406804.1); c.1605G>T, p.Glu535Asp (NM_001406813.1); and 1 more; short protein forms E434D, E507D, E231D, E533D, E403D, E477D, E535D, E565D.
Identifiers: ClinVar variation 1776067 (VCV001776067.2), dbSNP rs373726731, ClinGen allele CA346746950.